The following is an entry in ClinVar:

ClinVar aggregate classification (germline): Uncertain significance. Review status: criteria provided, multiple submitters, no conflicts (2 of 4 stars). 3 submissions from 3 submitters: Uncertain significance (3). Last evaluated 2024-07-03.

Conditions:
Hypertrophic cardiomyopathy. Also called: HYPERTROPHIC MYOCARDIOPATHY. Identifiers: Orphanet 217569, MedGen C0007194, MeSH D002312, MONDO:0005045, HP:0001639.
Cardiovascular phenotype. Identifiers: MedGen CN230736.

Allele frequency attached by ClinVar (database versions not stated): TOPMed below 0.00001.

Submissions (3):

Labcorp Genetics (formerly Invitae), Labcorp
Classification: Uncertain significance for Hypertrophic cardiomyopathy. Last evaluated: 2024-07-03. Review status: criteria provided, single submitter. Criteria: Invitae Variant Classification Sherloc (09022015). Collection method: clinical testing. Allele origin: germline.
Comment: This sequence change replaces glutamic acid, which is acidic and polar, with glutamine, which is neutral and polar, at codon 64 of the TNNI3 protein (p.Glu64Gln). This variant is not present in population databases (gnomAD no frequency). This variant has not been reported in the literature in individuals affected with TNNI3-related conditions. ClinVar contains an entry for this variant (Variation ID: 2564935). An algorithm developed to predict the effect of missense changes on protein structure and function (PolyPhen-2) suggests that this variant is likely to be disruptive. In summary, the available evidence is currently insufficient to determine the role of this variant in disease. Therefore, it has been classified as a Variant of Uncertain Significance.

All of Us Research Program, National Institutes of Health
Classification: Uncertain significance for Hypertrophic cardiomyopathy. Last evaluated: 2023-07-19. Review status: criteria provided, single submitter. Criteria: ACMG Guidelines, 2015. Collection method: clinical testing. Allele origin: germline. Inheritance: Autosomal dominant inheritance. Observed: 1 variant allele, 1 heterozygote.
Comment: This missense variant replaces glutamic acid with glutamine at codon 64 of the TNNI3 protein. Computational prediction is inconclusive regarding the impact of this variant on protein structure and function (internally defined REVEL score threshold 0.5 < inconclusive < 0.7, PMID: 27666373). To our knowledge, functional studies have not been reported for this variant. This variant has not been reported in individuals affected with TNNI3-related disorders in the literature. This variant has not been identified in the general population by the Genome Aggregation Database (gnomAD). The available evidence is insufficient to determine the role of this variant in disease conclusively. Therefore, this variant is classified as a Variant of Uncertain Significance.

This study involves interpretation of variants in research participants for the purpose of population health screening. Participant phenotype was not available at the time of variant classification. Additional details can be found in publication PMID: 35346344, PMCID: PMC8962531

Ambry Genetics
Classification: Uncertain significance for Cardiovascular phenotype. Last evaluated: 2023-03-16. Review status: criteria provided, single submitter. Criteria: Ambry Variant Classification Scheme 2023. Collection method: clinical testing. Allele origin: germline.
Comment: The p.E64Q variant (also known as c.190G>C), located in coding exon 5 of the TNNI3 gene, results from a G to C substitution at nucleotide position 190. The glutamic acid at codon 64 is replaced by glutamine, an amino acid with highly similar properties. This amino acid position is conserved. In addition, this alteration is predicted to be deleterious by in silico analysis. Since supporting evidence is limited at this time, the clinical significance of this alteration remains unclear.

NM_000363.5(TNNI3):c.190G>C (p.Glu64Gln)

Gene: TNNI3 (troponin I3, cardiac type; minus strand). Cytogenetic location: 19q13.42.
Variant type: single nucleotide variant.
Coding change: c.190G>C on transcript NM_000363.5 (MANE Select); coding-DNA position 190, G replaced by C.
Protein change: p.Glu64Gln; replaces glutamic acid 64 with glutamine.
Molecular consequence: missense variant.
Genome position (GRCh38, 1-based): chr19:55,156,293, C>G on the plus strand (G>C on the coding strand, the complement: TNNI3 is on the minus strand). VCF-style: chr19-55156293-C-G. GRCh37 (hg19) VCF-style: chr19-55667661-C-G.
Other names: short protein forms E64Q.
Identifiers: ClinVar variation 2564935 (VCV002564935.6), dbSNP rs1245885836, ClinGen allele CA407441912.